The following is an entry in ClinVar:

ClinVar aggregate classification (germline): Benign/Likely benign. Review status: criteria provided, multiple submitters, no conflicts (2 of 4 stars). 6 submissions from 6 submitters: Benign (3); Likely benign (1). 2 of the submissions do not count toward it. Last evaluated 2026-02-02.

Conditions:
COA8-related disorder. Also called: COA8-related condition.
Mitochondrial complex IV deficiency, nuclear type 17. Also called: Mitochondrial complex 4 deficiency, nuclear type 17. Identifiers: MedGen C5436718, MONDO:0033652, OMIM 619061.

Allele frequency attached by ClinVar (database versions not stated): 1000 Genomes Project 30x 0.00609; gnomAD 0.01271 and 0.01287; gnomAD exomes 0.01361 and 0.01845; TOPMed 0.01363; ExAC 0.01382; ESP Exome Variant Server 0.01768; 1000 Genomes Project 0.00499.
gnomAD v4.1: 28,558 of 1,605,440 alleles (1.8%); highest among the groups gnomAD compares: Non-Finnish European, 2.1%; 318 homozygotes.

Submissions (6):

Labcorp Genetics (formerly Invitae), Labcorp
Classification: Benign. Last evaluated: 2026-02-02. Review status: criteria provided, single submitter. Criteria: Invitae Variant Classification Sherloc (09022015). Collection method: clinical testing. Allele origin: germline.

Fulgent Genetics
Classification: Likely benign for Mitochondrial complex IV deficiency, nuclear type 17. Last evaluated: 2021-11-22. Review status: criteria provided, single submitter. Criteria: ACMG Guidelines, 2015. Collection method: clinical testing. Allele origin: unknown.

GeneDx
Classification: Benign. Last evaluated: 2016-08-16. Review status: criteria provided, single submitter. Criteria: GeneDx Variant Classification (06012015). Collection method: clinical testing. Allele origin: germline. Affected: yes.
Comment: This variant is considered likely benign or benign based on one or more of the following criteria: it is a conservative change, it occurs at a poorly conserved position in the protein, it is predicted to be benign by multiple in silico algorithms, and/or has population frequency not consistent with disease.

Breakthrough Genomics
Classification: Benign. Review status: criteria provided, single submitter. Criteria: ACMG Guidelines, 2015. Collection method: not provided. Allele origin: germline. Inheritance: Autosomal recessive inheritance. Affected: yes.

PreventionGenetics, part of Exact Sciences
Classification: Likely benign for COA8-related condition. Last evaluated: 2020-03-06. Review status: no assertion criteria provided. Collection method: clinical testing. Allele origin: germline. Not counted in ClinVar's aggregate classification.
Comment: This variant is classified as likely benign based on ACMG/AMP sequence variant interpretation guidelines (Richards et al. 2015 PMID: 25741868, with internal and published modifications).

Mayo Clinic Laboratories, Mayo Clinic
Classification: Benign. Last evaluated: 2016-02-23. Review status: no assertion criteria provided. Collection method: clinical testing. Allele origin: unknown. Not counted in ClinVar's aggregate classification.

NM_001370595.2(COA8):c.351A>G (p.Leu117=)

Gene: COA8 (cytochrome c oxidase assembly factor 8; plus strand). Cytogenetic location: 14q32.33.
Variant type: single nucleotide variant.
Coding change: c.351A>G on transcript NM_001370595.2 (MANE Select); coding-DNA position 351, A replaced by G.
Protein change: p.Leu117=; no amino-acid change (leucine 117 retained).
Molecular consequence: synonymous variant. On other transcripts: non-coding transcript variant (1).
Genome position (GRCh38, 1-based): chr14:103,574,136, A>G. VCF-style: chr14-103574136-A-G. GRCh37 (hg19) VCF-style: chr14-104040473-A-G.
Other names: NM_001302652.2:c.351A>G; c.351A>G, p.Leu117= (NM_001302653.2, NM_001302654.2); c.390A>G (NM_032374.4).
Identifiers: ClinVar variation 380180 (VCV000380180.17), dbSNP rs71417867, ClinGen allele CA7365538.
Genomic context (GRCh38, chr14:103,574,136, plus strand): 5'-GCCTTTTTTTTTTTTTTTTTTTTTTTTTAAGGAAAAAGAAGAATTTATTCACTCAAGACT[A>G]AAAACTAAAGGCCTGGGCCTGAGAACTGAATCAGGTTAGTGTGTTTGTTTGATTGTTTTT-3'
Protein context (NP_001357524.1, residues 107-127): KEKEEFIHSR[Leu117=]KTKGLGLRTE